The following is an entry in ClinVar:

ClinVar aggregate classification (germline): Uncertain significance (1 of 4 stars; one submission).

Conditions:
Wilms tumor 1 (WT1). Also called: Wilms tumor, somatic. Identifiers: Orphanet 654, MedGen CN033288, MONDO:0008679, OMIM 194070.

Submission:

Labcorp Genetics (formerly Invitae), Labcorp
Classification: Uncertain significance for Wilms tumor 1. Last evaluated: 2021-02-26. Review status: criteria provided, single submitter. Criteria: Invitae Variant Classification Sherloc (09022015). Collection method: clinical testing. Allele origin: germline.
Comment: This sequence change replaces valine with alanine at codon 118 of the GPC3 protein (p.Val118Ala). The valine residue is highly conserved and there is a small physicochemical difference between valine and alanine. This variant is not present in population databases (ExAC no frequency). This variant has not been reported in the literature in individuals with GPC3-related conditions. Algorithms developed to predict the effect of missense changes on protein structure and function are either unavailable or do not agree on the potential impact of this missense change (SIFT: "Deleterious"; PolyPhen-2: "Probably Damaging"; Align-GVGD: "Class C0"). In summary, the available evidence is currently insufficient to determine the role of this variant in disease. Therefore, it has been classified as a Variant of Uncertain Significance.

NM_004484.4(GPC3):c.353T>C (p.Val118Ala)

Gene: GPC3 (glypican 3; minus strand). Cytogenetic location: Xq26.2.
Variant type: single nucleotide variant.
Coding change: c.353T>C on transcript NM_004484.4 (MANE Select); coding-DNA position 353, T replaced by C.
Protein change: p.Val118Ala; replaces valine 118 with alanine.
Molecular consequence: missense variant.
Genome position (GRCh38, 1-based): chrX:133,754,161, A>G on the plus strand (T>C on the coding strand, the complement: GPC3 is on the minus strand). VCF-style: chrX-133754161-A-G. GRCh37 (hg19) VCF-style: chrX-132888188-A-G.
Other names: c.353T>C, p.Val118Ala (NM_001164617.2); c.305T>C, p.Val102Ala (NM_001164618.2); c.191T>C, p.Val64Ala (NM_001164619.2); short protein forms V118A, V64A, V102A.
Identifiers: ClinVar variation 1467330 (VCV001467330.8), dbSNP rs2124480956, ClinGen allele CA414706821.